The following is an entry in ClinVar:

NM_000092.5(COL4A4):c.1106C>A (p.Pro369Gln)

Gene: COL4A4 (collagen type IV alpha 4 chain; minus strand). Cytogenetic location: 2q36.3.
Variant type: single nucleotide variant.
Coding change: c.1106C>A on transcript NM_000092.5 (MANE Select); coding-DNA position 1106, C replaced by A.
Protein change: p.Pro369Gln; replaces proline 369 with glutamine.
Molecular consequence: missense variant.
Genome position (GRCh38, 1-based): chr2:227,098,792, G>T on the plus strand (C>A on the coding strand, the complement: COL4A4 is on the minus strand). VCF-style: chr2-227098792-G-T. GRCh37 (hg19) VCF-style: chr2-227963508-G-T.
Other names: short protein forms P369Q.
Identifiers: ClinVar variation 3776637 (VCV003776637.3).

ClinVar aggregate classification (germline): Uncertain significance. Review status: criteria provided, multiple submitters, no conflicts (2 of 4 stars). 3 submissions from 3 submitters: Uncertain significance (3). Last evaluated 2025-08-19.

Conditions:
Inborn genetic diseases. Identifiers: MedGen C0950123, MeSH D030342.

gnomAD v4.1: 4 of 1,613,556 alleles (0.00025%); highest among the groups gnomAD compares: Admixed American, 0.0033%; no homozygotes.

Submissions (3):

Ambry Genetics
Classification: Uncertain significance for Inborn genetic diseases. Last evaluated: 2025-08-19. Review status: criteria provided, single submitter. Criteria: Ambry Variant Classification Scheme 2023. Collection method: clinical testing. Allele origin: germline.

GeneDx
Classification: Uncertain significance. Last evaluated: 2024-10-07. Review status: criteria provided, single submitter. Criteria: GeneDx Variant Classification Process June 2021. Collection method: clinical testing. Allele origin: germline. Affected: yes.
Comment: In silico analysis supports that this missense variant has a deleterious effect on protein structure/function; Has not been previously published as pathogenic or benign to our knowledge; Occurs in the triple helical domain at the Y position in the canonical Gly-X-Y repeat; although this variant may have an effect on normal protein folding and function, missense substitution at the Y position is not a common mechanism of disease

Blueprint Genetics
Classification: Uncertain significance. Last evaluated: 2020-09-25. Review status: criteria provided, single submitter. Criteria: ACMG Guidelines, 2015. Collection method: clinical testing. Allele origin: germline.